The following is an entry in ClinVar:

NM_001001563.5(TIMM50):c.491C>T (p.Ser164Leu)

Gene: TIMM50 (translocase of inner mitochondrial membrane 50; plus strand). Cytogenetic location: 19q13.2.
Variant type: single nucleotide variant.
Coding change: c.491C>T on transcript NM_001001563.5 (MANE Select); coding-DNA position 491, C replaced by T.
Protein change: p.Ser164Leu; replaces serine 164 with leucine.
Molecular consequence: missense variant.
Genome position (GRCh38, 1-based): chr19:39,485,806, C>T. VCF-style: chr19-39485806-C-T. GRCh37 (hg19) VCF-style: chr19-39976446-C-T.
Other names: c.152C>T, p.Ser51Leu (NM_001329559.2); short protein forms S164L, S51L.
Identifiers: ClinVar variation 3620114 (VCV003620114.2).
Genomic context (GRCh38, chr19:39,485,806, plus strand): 5'-ACCAGCCACCCTACACGCTCGTTTTGGAGCTCACCGGCGTCCTCTTGCATCCTGAGTGGT[C>T]GGTGTGTCCCGGGAAACCCAGTGGGTTGGGGATAGACCTGGGCAGTGGGGTTGTGATGAG-3'
Protein context (NP_001001563.2, residues 154-174): LTGVLLHPEW[Ser164Leu]LATGWRFKKR

ClinVar aggregate classification (germline): Uncertain significance (1 of 4 stars; one submission).

Submission:

Labcorp Genetics (formerly Invitae), Labcorp
Classification: Uncertain significance. Last evaluated: 2024-12-18. Review status: criteria provided, single submitter. Criteria: Invitae Variant Classification Sherloc (09022015). Collection method: clinical testing. Allele origin: germline.
Comment: This sequence change replaces serine, which is neutral and polar, with leucine, which is neutral and non-polar, at codon 267 of the TIMM50 protein (p.Ser267Leu). This variant is present in population databases (rs748103686, gnomAD 0.01%). This variant has not been reported in the literature in individuals affected with TIMM50-related conditions. An algorithm developed to predict the effect of missense changes on protein structure and function (PolyPhen-2) suggests that this variant is likely to be tolerated. Algorithms developed to predict the effect of sequence changes on RNA splicing suggest that this variant may disrupt the consensus splice site. In summary, the available evidence is currently insufficient to determine the role of this variant in disease. Therefore, it has been classified as a Variant of Uncertain Significance.